The following is an entry in ClinVar:

ClinVar aggregate classification (germline): Uncertain significance (1 of 4 stars; one submission).

Allele frequency attached by ClinVar (database versions not stated): TOPMed 0.00001; gnomAD 0.00002; gnomAD exomes 0.00002.
gnomAD v4.1: 8 of 1,235,906 alleles (0.00065%); highest among the groups gnomAD compares: Non-Finnish European, 0.00081%; no homozygotes.

Submission:

Labcorp Genetics (formerly Invitae), Labcorp
Classification: Uncertain significance. Last evaluated: 2022-05-10. Review status: criteria provided, single submitter. Criteria: Invitae Variant Classification Sherloc (09022015). Collection method: clinical testing. Allele origin: germline.
Comment: This sequence change replaces glycine, which is neutral and non-polar, with serine, which is neutral and polar, at codon 187 of the ALPK3 protein (p.Gly187Ser). This variant is not present in population databases (gnomAD no frequency). This variant has not been reported in the literature in individuals affected with ALPK3-related conditions. Algorithms developed to predict the effect of missense changes on protein structure and function are either unavailable or do not agree on the potential impact of this missense change (SIFT: "Deleterious"; PolyPhen-2: "Benign"; Align-GVGD: "Class C0"). In summary, the available evidence is currently insufficient to determine the role of this variant in disease. Therefore, it has been classified as a Variant of Uncertain Significance.

NM_020778.5(ALPK3):c.-48G>A

Gene: ALPK3 (alpha kinase 3; plus strand). Cytogenetic location: 15q25.3.
Variant type: single nucleotide variant.
Coding change: c.-48G>A on transcript NM_020778.5 (MANE Select); 48 bases upstream of the start codon, G replaced by A.
Molecular consequence: 5 prime UTR variant.
Genome position (GRCh38, 1-based): chr15:84,817,405, G>A. VCF-style: chr15-84817405-G-A. GRCh37 (hg19) VCF-style: chr15-85360636-G-A.
Identifiers: ClinVar variation 1378350 (VCV001378350.8), dbSNP rs917621488, ClinGen allele CA273651108.